The following is an entry in ClinVar:

NM_032603.5(LOXL3):c.956G>A (p.Arg319Gln)

Gene: LOXL3 (lysyl oxidase like 3; minus strand). Cytogenetic location: 2p13.1.
Variant type: single nucleotide variant.
Coding change: c.956G>A on transcript NM_032603.5 (MANE Select); coding-DNA position 956, G replaced by A.
Protein change: p.Arg319Gln; replaces arginine 319 with glutamine.
Molecular consequence: missense variant. On other transcripts: 5 prime UTR variant (1).
Genome position (GRCh38, 1-based): chr2:74,536,428, C>T on the plus strand (G>A on the coding strand, the complement: LOXL3 is on the minus strand). VCF-style: chr2-74536428-C-T. GRCh37 (hg19) VCF-style: chr2-74763555-C-T.
Other names: c.521G>A, p.Arg174Gln (NM_001289164.3); c.-128G>A (NM_001289165.2); short protein forms R174Q, R319Q.
Identifiers: ClinVar variation 2191065 (VCV002191065.3), dbSNP rs766420467, ClinGen allele CA1729019.

ClinVar aggregate classification (germline): Pathogenic (1 of 4 stars; one submission).

Allele frequency attached by ClinVar (database versions not stated): gnomAD exomes 0.00001; ExAC 0.00002; gnomAD 0.00002; TOPMed 0.00002.
gnomAD v4.1: 25 of 1,613,982 alleles (0.0015%); highest among the groups gnomAD compares: Non-Finnish European, 0.0019%; no homozygotes.

Submission:

Labcorp Genetics (formerly Invitae), Labcorp
Classification: Pathogenic. Last evaluated: 2026-01-05. Review status: criteria provided, single submitter. Criteria: Invitae Variant Classification Sherloc (09022015). Collection method: clinical testing. Allele origin: germline.
Comment: This sequence change replaces arginine, which is basic and polar, with glutamine, which is neutral and polar, at codon 319 of the LOXL3 protein (p.Arg319Gln). This variant is present in population databases (rs766420467, gnomAD 0.003%). This missense change has been observed in individual(s) with clinical features of Stickler syndrome (PMID: 41052910; internal data). It has also been observed to segregate with disease in related individuals. ClinVar contains an entry for this variant (Variation ID: 2191065). An algorithm developed to predict the effect of missense changes on protein structure and function (PolyPhen-2) suggests that this variant is likely to be disruptive. For these reasons, this variant has been classified as Pathogenic.

Literature cited by the submitters: PubMed 41052910.